The following is an entry in ClinVar:

NM_020937.4(FANCM):c.3313A>G (p.Ser1105Gly)

Gene: FANCM (FA complementation group M; plus strand). Cytogenetic location: 14q21.2.
Variant type: single nucleotide variant.
Coding change: c.3313A>G on transcript NM_020937.4 (MANE Select); coding-DNA position 3313, A replaced by G.
Protein change: p.Ser1105Gly; replaces serine 1105 with glycine.
Molecular consequence: missense variant.
Genome position (GRCh38, 1-based): chr14:45,176,067, A>G. VCF-style: chr14-45176067-A-G. GRCh37 (hg19) VCF-style: chr14-45645270-A-G.
Other names: c.3235A>G, p.Ser1079Gly (NM_001308133.2); short protein forms S1079G, S1105G.
Identifiers: ClinVar variation 1460475 (VCV001460475.8), dbSNP rs777264888, ClinGen allele CA7169494.

ClinVar aggregate classification (germline): Uncertain significance (1 of 4 stars; one submission).

Conditions:
Fanconi anemia (FA). Also called: Fanconi's anemia. Identifiers: Orphanet 84, MedGen C0015625, MeSH D005199, MONDO:0019391.

Allele frequency attached by ClinVar (database versions not stated): gnomAD exomes below 0.00001; ExAC 0.00001; gnomAD 0.00001; TOPMed 0.00001.
gnomAD v4.1: 7 of 1,614,018 alleles (0.00043%); highest among the groups gnomAD compares: Non-Finnish European, 0.00051%; no homozygotes.

Submission:

Labcorp Genetics (formerly Invitae), Labcorp
Classification: Uncertain significance for Fanconi anemia. Last evaluated: 2025-12-21. Review status: criteria provided, single submitter. Criteria: Invitae Variant Classification Sherloc (09022015). Collection method: clinical testing. Allele origin: germline.
Comment: This sequence change replaces serine, which is neutral and polar, with glycine, which is neutral and non-polar, at codon 1105 of the FANCM protein (p.Ser1105Gly). This variant is present in population databases (rs777264888, gnomAD 0.0009%). This variant has not been reported in the literature in individuals affected with FANCM-related conditions. ClinVar contains an entry for this variant (Variation ID: 1460475). An algorithm developed to predict the effect of missense changes on protein structure and function outputs the following: PolyPhen-2: "Benign". The glycine amino acid residue is found in multiple mammalian species, which suggests that this missense change does not adversely affect protein function. In summary, the available evidence is currently insufficient to determine the role of this variant in disease. Therefore, it has been classified as a Variant of Uncertain Significance.